The following is an entry in ClinVar:

ClinVar aggregate classification (germline): Uncertain significance (1 of 4 stars; one submission).

Allele frequency attached by ClinVar (database versions not stated): TOPMed below 0.00001.

Submission:

Labcorp Genetics (formerly Invitae), Labcorp
Classification: Uncertain significance. Last evaluated: 2023-08-04. Review status: criteria provided, single submitter. Criteria: Invitae Variant Classification Sherloc (09022015). Collection method: clinical testing. Allele origin: germline.
Comment: In summary, the available evidence is currently insufficient to determine the role of this variant in disease. Therefore, it has been classified as a Variant of Uncertain Significance. Advanced modeling of protein sequence and biophysical properties (such as structural, functional, and spatial information, amino acid conservation, physicochemical variation, residue mobility, and thermodynamic stability) performed at Invitae indicates that this missense variant is not expected to disrupt TRPM1 protein function. ClinVar contains an entry for this variant (Variation ID: 1424335). This variant has not been reported in the literature in individuals affected with TRPM1-related conditions. This variant is not present in population databases (gnomAD no frequency). This sequence change replaces alanine, which is neutral and non-polar, with serine, which is neutral and polar, at codon 628 of the TRPM1 protein (p.Ala628Ser).

NM_001252024.2(TRPM1):c.1948G>T (p.Ala650Ser)

Gene: TRPM1 (transient receptor potential cation channel subfamily M member 1; minus strand). Cytogenetic location: 15q13.3.
Variant type: single nucleotide variant.
Coding change: c.1948G>T on transcript NM_001252024.2 (MANE Select); coding-DNA position 1948, G replaced by T.
Protein change: p.Ala650Ser; replaces alanine 650 with serine.
Molecular consequence: missense variant.
Genome position (GRCh38, 1-based): chr15:31,042,090, C>A on the plus strand (G>T on the coding strand, the complement: TRPM1 is on the minus strand). VCF-style: chr15-31042090-C-A. GRCh37 (hg19) VCF-style: chr15-31334293-C-A.
Other names: c.1999G>T, p.Ala667Ser (NM_001252020.2); c.1882G>T, p.Ala628Ser (NM_002420.6); short protein forms A650S, A628S, A667S.
Identifiers: ClinVar variation 1424335 (VCV001424335.8), dbSNP rs1313975116, ClinGen allele CA391511896.